The following is an entry in ClinVar:

NM_001130987.2(DYSF):c.3092A>G (p.Glu1031Gly)

Gene: DYSF (dysferlin; plus strand). Cytogenetic location: 2p13.2.
Variant type: single nucleotide variant.
Coding change: c.3092A>G on transcript NM_001130987.2 (MANE Select); coding-DNA position 3092, A replaced by G.
Protein change: p.Glu1031Gly; replaces glutamic acid 1031 with glycine.
Molecular consequence: missense variant.
Genome position (GRCh38, 1-based): chr2:71,570,605, A>G. VCF-style: chr2-71570605-A-G. GRCh37 (hg19) VCF-style: chr2-71797735-A-G.
Other names: c.3041A>G, p.Glu1014Gly (NM_001130455.2, NM_001130983.2); c.2996A>G, p.Glu999Gly (NM_001130976.2, NM_001130977.2); c.3038A>G, p.Glu1013Gly (NM_001130978.2, NM_003494.4); c.3131A>G, p.Glu1044Gly (NM_001130979.2); c.3089A>G, p.Glu1030Gly (NM_001130980.2, NM_001130981.2); c.3134A>G, p.Glu1045Gly (NM_001130982.2); c.2999A>G, p.Glu1000Gly (NM_001130984.2, NM_001130986.2); c.3092A>G, p.Glu1031Gly (NM_001130985.2); short protein forms E1031G, E1044G, E1045G, E1013G, E1014G, E1030G, E999G, E1000G.
Identifiers: ClinVar variation 1515960 (VCV001515960.6), dbSNP rs2152815107, ClinGen allele CA347216901.
Genomic context (GRCh38, chr2:71,570,605, plus strand): 5'-AGGAGAGATGGGGGGAACTGCCAAGCAATGAGTGACCGGTTCCCCCTCCCCCAGGCTGGG[A>G]GTATAGCATCACCATCCCCCCGGAGCGGAAGCCGAAGCACTGGGTCCCTGCTGAGAAGAT-3'
Protein context (NP_001124459.1, residues 1021-1041): LNRAVDEQGW[Glu1031Gly]YSITIPPERK

ClinVar aggregate classification (germline): Uncertain significance. Review status: criteria provided, multiple submitters, no conflicts (2 of 4 stars). 2 submissions from 2 submitters: Uncertain significance (2). Last evaluated 2022-01-12.

Conditions:
Neuromuscular disease caused by qualitative or quantitative defects of dysferlin. Also called: Dysferlinopathy; Qualitative or quantitative defects of dysferlin. Identifiers: Orphanet 207073, MedGen C2931687, MONDO:0016145.
Distal myopathy with anterior tibial onset. Identifiers: Orphanet 178400, MedGen C1847532, MONDO:0011721, OMIM 606768.
Miyoshi muscular dystrophy 1 (MMD1). Identifiers: Orphanet 45448, MedGen C4551973, MONDO:0024545, OMIM 254130.
Autosomal recessive limb-girdle muscular dystrophy type 2B (LGMDR2). Also called: Limb-Girdle Muscular Dystrophy Type 2B (LGMD2B); Limb-girdle muscular dystrophy, type 2B; MUSCULAR DYSTROPHY, LIMB-GIRDLE, AUTOSOMAL RECESSIVE 2; MUSCULAR DYSTROPHY, LIMB-GIRDLE, TYPE 3. Identifiers: Orphanet 268, MedGen C1850889, MONDO:0009676, OMIM 253601.

Submissions (2):

Fulgent Genetics
Classification: Uncertain significance for Autosomal recessive limb-girdle muscular dystrophy type 2B; Miyoshi muscular dystrophy 1; Distal myopathy with anterior tibial onset. Last evaluated: 2022-01-12. Review status: criteria provided, single submitter. Criteria: ACMG Guidelines, 2015. Collection method: clinical testing. Allele origin: unknown.

Labcorp Genetics (formerly Invitae), Labcorp
Classification: Uncertain significance for Neuromuscular disease caused by qualitative or quantitative defects of dysferlin. Last evaluated: 2021-09-24. Review status: criteria provided, single submitter. Criteria: Invitae Variant Classification Sherloc (09022015). Collection method: clinical testing. Allele origin: germline.
Comment: This sequence change replaces glutamic acid with glycine at codon 1013 of the DYSF protein (p.Glu1013Gly). The glutamic acid residue is moderately conserved and there is a moderate physicochemical difference between glutamic acid and glycine. This variant is not present in population databases (ExAC no frequency). This variant has not been reported in the literature in individuals with DYSF-related conditions. Advanced modeling of protein sequence and biophysical properties (such as structural, functional, and spatial information, amino acid conservation, physicochemical variation, residue mobility, and thermodynamic stability) performed at Invitae indicates that this missense variant is expected to disrupt DYSF protein function. In summary, the available evidence is currently insufficient to determine the role of this variant in disease. Therefore, it has been classified as a Variant of Uncertain Significance.